The following is an entry in ClinVar:

ClinVar aggregate classification (germline): Pathogenic/Likely pathogenic. Review status: criteria provided, multiple submitters, no conflicts (2 of 4 stars). 4 submissions from 3 submitters: Pathogenic (1); Likely pathogenic (1). 2 of the submissions do not count toward it. Last evaluated 2023-01-25.

Conditions:
Nephrotic syndrome, type 3 (NPHS3). Also called: NEPHROTIC SYNDROME, EARLY-ONSET, TYPE 3. Identifiers: Orphanet 656, MedGen C1853124, MONDO:0012546, OMIM 610725.
Nephrotic syndrome. Identifiers: MedGen C0027726, MONDO:0005377, HP:0000100.
Focal segmental glomerulosclerosis (FSGS). Also called: Glomerulosclerosis, focal; Focal sclerosis with hyalinosis. Identifiers: MedGen C0017668, MONDO:0100313, HP:0000097. Disease mechanism: loss of function.

Submissions (4):

Broad Center for Mendelian Genomics, Broad Institute of MIT and Harvard
Classification: Likely pathogenic for Nephrotic syndrome, type 3. Last evaluated: 2023-01-25. Review status: criteria provided, single submitter. Criteria: ACMG Guidelines, 2015. Collection method: curation. Allele origin: germline. Inheritance: Autosomal recessive inheritance.
Comment: The homozygous p.Gln1660LeufsTer9 variant in PLCE1 was identified by our study in two siblings with nephrotic syndrome (PMID: 30655312, PMID: 29127259). The p.Gln1660LeufsTer9 variant in PLCE1 has not been previously reported in individuals with nephrotic syndrome type 3. This variant has also been reported in ClinVar (Variation ID: 635085) and has been interpreted as likely pathogenic by the Broad Rare Disease Group and the Yale Center for Mendelian Genomics. This variant was absent from large population studies. This variant is predicted to cause a frameshift, which alters the protein‚Äôs amino acid sequence beginning at position 1660 and leads to a premature termination codon 9 amino acids downstream. This alteration is then predicted to lead to a truncated or absent protein. Loss of function of the PLCE1 gene is strongly associated to autosomal recessive nephrotic syndrome type 3. In summary, although additional studies are required to fully establish its clinical significance, this variant is likely pathogenic for autosomal recessive nephrotic syndrome 3. ACMG/AMP Criteria applied: PVS1_Strong, PM2_Supporting, PM3_Supporting (Richards 2015).

GeneDx
Classification: Pathogenic. Last evaluated: 2022-06-28. Review status: criteria provided, single submitter. Criteria: GeneDx Variant Classification Process June 2021. Collection method: clinical testing. Allele origin: germline. Affected: yes.
Comment: Frameshift variant predicted to result in protein truncation or nonsense mediated decay in a gene for which loss of function is a known mechanism of disease; Not observed at significant frequency in large population cohorts (gnomAD); This variant is associated with the following publications: (PMID: 25349199, 30655312)

Yale Center for Mendelian Genomics, Yale University
Classification: Pathogenic for Focal segmental glomerulosclerosis. Last evaluated: 2019-01-17. Review status: no assertion criteria provided. Collection method: literature only. Allele origin: germline. Affected: yes. Observed: 1 homozygote. Study: Yale Center for Mendelian Genomics. Not counted in ClinVar's aggregate classification.

Yale Center for Mendelian Genomics, Yale University
Classification: Likely pathogenic for Nephrotic syndrome. Last evaluated: 2017-11-10. Review status: no assertion criteria provided. Collection method: literature only. Allele origin: germline. Affected: yes. Observed: 1 homozygote. Study: Yale Center for Mendelian Genomics. Not counted in ClinVar's aggregate classification.

Literature cited by the submitters: PubMed 30655312 (cited by Yale Center for Mendelian Genomics, Yale University); PubMed 29127259 (cited by Yale Center for Mendelian Genomics, Yale University).

NM_016341.4(PLCE1):c.4978_4981del (p.Gln1660fs)

Genes: PLCE1-AS1 (PLCE1 antisense RNA 1; minus strand), PLCE1 (phospholipase C epsilon 1; plus strand). Cytogenetic location: 10q23.33.
Variant type: Microsatellite.
Coding change: c.4978_4981del on transcript NM_016341.4 (MANE Select); coding-DNA positions 4978 to 4981, 4 bases deleted (CAGA; older notation c.4978_4981delCAGA).
Protein change: p.Gln1660fs; shifts the reading frame from glutamine 1660.
Molecular consequence: frameshift variant.
Genome position (GRCh38, 1-based): chr10:94,284,908-94,284,911, CAGA deleted; deleting any 4 consecutive bases within chr10:94,284,904-94,284,911 gives the same sequence; the c. name uses the placement nearest the transcript's 3' end. VCF-style (leftmost placement, unchanged base first): chr10-94284903-GCAGA-G. GRCh37 (hg19) VCF-style: chr10-96044660-GCAGA-G.
Other names: NM_016341.4(PLCE1):c.4978_4981del; p.Gln1660fs; c.4054_4057del, p.Gln1352fs (NM_001165979.2); c.4930_4933del, p.Gln1644fs (NM_001288989.2); c.4978_4981delCAGA (NM_016341.4); short protein forms Q1660fs, Q1352fs, Q1644fs.
Identifiers: ClinVar variation 635085 (VCV000635085.5), dbSNP rs1589475328, ClinGen allele CA658795139.